The following is an entry in ClinVar:

ClinVar aggregate classification (germline): Uncertain significance (1 of 4 stars; one submission).

Conditions:
Hereditary cancer-predisposing syndrome. Also called: Tumor predisposition; Neoplastic Syndromes, Hereditary; Hereditary Cancer Syndrome; Hereditary neoplastic syndrome. Identifiers: Orphanet 140162, MedGen C0027672, MeSH D009386, MONDO:0015356.

Submission:

Ambry Genetics
Classification: Uncertain significance for Hereditary cancer-predisposing syndrome. Last evaluated: 2025-01-21. Review status: criteria provided, single submitter. Criteria: Ambry Variant Classification Scheme 2023. Collection method: clinical testing. Allele origin: germline.
Comment: The c.2174+5G>C intronic variant results from a G to C substitution 5 nucleotides after coding exon 12 in the PMS2 gene. This nucleotide position is highly conserved in available vertebrate species. In silico splice site analysis predicts that this alteration will weaken the native splice donor site. Based on the available evidence, the clinical significance of this variant remains unclear.

NM_000535.7(PMS2):c.2174+5G>C

Gene: PMS2 (PMS1 homolog 2, mismatch repair system component; minus strand). Cytogenetic location: 7p22.1.
Variant type: single nucleotide variant.
Coding change: c.2174+5G>C on transcript NM_000535.7 (MANE Select); 5 bases into the intron after coding-DNA position 2174, G replaced by C.
Molecular consequence: intron variant.
Genome position (GRCh38, 1-based): chr7:5,982,819, C>G on the plus strand (G>C on the coding strand, the complement: PMS2 is on the minus strand). VCF-style: chr7-5982819-C-G. GRCh37 (hg19) VCF-style: chr7-6022450-C-G.
Other names: c.1661+5G>C (NM_001406905.1, NM_001406904.1); c.1613+5G>C (NM_001406906.1, NM_001322010.2, NM_001406907.1); c.1601+3940G>C (NM_001406910.1, NM_001406908.1); c.1769+5G>C (NM_001322003.2, NM_001406895.1, NM_001322004.2 and 14 more transcripts); c.1856+5G>C (NM_001322008.2, NM_001406883.1, NM_001322007.2 and 1 more transcripts); c.1865+5G>C (NM_001406881.1, NM_001406879.1, NM_001322015.2 and 5 more transcripts); c.1403+5G>C (NM_001406911.1); c.1700+5G>C (NM_001406902.1, NM_001406901.1); and 16 more.
Identifiers: ClinVar variation 3890975 (VCV003890975.1).